The following is an entry in ClinVar:

NM_033641.4(COL4A6):c.3101C>G (p.Ser1034Cys)

Gene: COL4A6 (collagen type IV alpha 6 chain; minus strand). Cytogenetic location: Xq22.3.
Variant type: single nucleotide variant.
Coding change: c.3101C>G on transcript NM_033641.4 (MANE Select); coding-DNA position 3101, C replaced by G.
Protein change: p.Ser1034Cys; replaces serine 1034 with cysteine.
Molecular consequence: missense variant.
Genome position (GRCh38, 1-based): chrX:108,174,477, G>C on the plus strand (C>G on the coding strand, the complement: COL4A6 is on the minus strand). VCF-style: chrX-108174477-G-C. GRCh37 (hg19) VCF-style: chrX-107417707-G-C.
Other names: c.3152C>G, p.Ser1051Cys (NM_001287758.2); c.3101C>G, p.Ser1034Cys (NM_001287759.2, NM_001287760.2, NM_001440760.1); c.3104C>G, p.Ser1035Cys (NM_001440759.1, NM_001847.4); short protein forms S1034C, S1035C, S1051C.
Identifiers: ClinVar variation 4778057 (VCV004778057.1).

ClinVar aggregate classification (germline): Uncertain significance (1 of 4 stars; one submission).

gnomAD v4.1: 1 of 1,209,414 alleles (0.000083%); highest among the groups gnomAD compares: African/African-American, 0.0018%; no homozygotes.

Submission:

Labcorp Genetics (formerly Invitae), Labcorp
Classification: Uncertain significance. Last evaluated: 2025-05-13. Review status: criteria provided, single submitter. Criteria: Invitae Variant Classification Sherloc (09022015). Collection method: clinical testing. Allele origin: germline.
Comment: This sequence change replaces serine, which is neutral and polar, with cysteine, which is neutral and slightly polar, at codon 1035 of the COL4A6 protein (p.Ser1035Cys). This variant is present in population databases (rs145587471, gnomAD 0.006%). This variant has not been reported in the literature in individuals affected with COL4A6-related conditions. Invitae Evidence Modeling of protein sequence and biophysical properties (such as structural, functional, and spatial information, amino acid conservation, physicochemical variation, residue mobility, and thermodynamic stability) indicates that this missense variant is not expected to disrupt COL4A6 protein function with a negative predictive value of 80%. In summary, the available evidence is currently insufficient to determine the role of this variant in disease. Therefore, it has been classified as a Variant of Uncertain Significance.